The following is an entry in ClinVar:

ClinVar aggregate classification (germline): Pathogenic/Likely pathogenic. Review status: criteria provided, multiple submitters, no conflicts (2 of 4 stars). 3 submissions from 3 submitters: Pathogenic (2); Likely pathogenic (1). Last evaluated 2023-11-13.

Conditions:
Biotinidase deficiency. Also called: BTD deficiency; Late-onset biotin-responsive multiple carboxylase deficiency; Biotin deficiency. Identifiers: Orphanet 79241, MedGen C0220754, MONDO:0009665, OMIM 253260.

Submissions (3):

Baylor Genetics
Classification: Likely pathogenic for Biotinidase deficiency. Last evaluated: 2023-11-13. Review status: criteria provided, single submitter. Criteria: ACMG Guidelines, 2015. Collection method: clinical testing. Allele origin: unknown.

Labcorp Genetics (formerly Invitae), Labcorp
Classification: Pathogenic for Biotinidase deficiency. Last evaluated: 2022-11-29. Review status: criteria provided, single submitter. Criteria: Invitae Variant Classification Sherloc (09022015). Collection method: clinical testing. Allele origin: germline.
Comment: This sequence change creates a premature translational stop signal (p.Glu483*) in the BTD gene. While this is not anticipated to result in nonsense mediated decay, it is expected to disrupt the last 61 amino acid(s) of the BTD protein. This variant is not present in population databases (gnomAD no frequency). For these reasons, this variant has been classified as Pathogenic. This variant disrupts a region of the BTD protein in which other variant(s) (p.Leu498Phefs*13) have been determined to be pathogenic (PMID: 17382128, 19728141, 29359854). This suggests that this is a clinically significant region of the protein, and that variants that disrupt it are likely to be disease-causing. ClinVar contains an entry for this variant (Variation ID: 617999). This premature translational stop signal has been observed in individual(s) with biotinidase deficiency (Invitae). In at least one individual the data is consistent with being in trans (on the opposite chromosome) from a pathogenic variant.

ARUP Laboratories, Molecular Genetics and Genomics, ARUP Laboratories
Classification: Pathogenic. Last evaluated: 2017-05-24. Review status: criteria provided, single submitter. Criteria: ARUP Molecular Germline Variant Investigation Process. Collection method: clinical testing. Allele origin: germline.

Literature cited by the submitters: PubMed 17382128 (cited by Labcorp Genetics (formerly Invitae), Labcorp); PubMed 19728141 (cited by Labcorp Genetics (formerly Invitae), Labcorp); PubMed 29359854 (cited by Labcorp Genetics (formerly Invitae), Labcorp).

NM_001370658.1(BTD):c.1387G>T (p.Glu463Ter)

Gene: BTD (biotinidase; plus strand). Cytogenetic location: 3p25.1.
Variant type: single nucleotide variant.
Coding change: c.1387G>T on transcript NM_001370658.1 (MANE Select); coding-DNA position 1387, G replaced by T.
Protein change: p.Glu463Ter; replaces glutamic acid 463 with a stop codon.
Molecular consequence: nonsense. On other transcripts: intron variant (8).
Genome position (GRCh38, 1-based): chr3:15,645,303, G>T. VCF-style: chr3-15645303-G-T. GRCh37 (hg19) VCF-style: chr3-15686810-G-T.
Other names: c.1447G>T, p.Glu483Ter (NM_000060.4); c.1387G>T, p.Glu463Ter (NM_001407368.1, NM_001407369.1, NM_001407370.1 and 16 more transcripts); c.1015+372G>T (NM_001370752.1, NM_001407379.1); c.399+3246G>T (NM_001370753.1, NM_001407400.1, NM_001407380.1 and 3 more transcripts); short protein forms E463*.
Identifiers: ClinVar variation 617999 (VCV000617999.19), dbSNP rs1559600871, ClinGen allele CA351608885.